The following is an entry in ClinVar:

NM_001148.6(ANK2):c.962G>A (p.Arg321Gln)

Gene: ANK2 (ankyrin 2; plus strand). Cytogenetic location: 4q26.
Variant type: single nucleotide variant.
Coding change: c.962G>A on transcript NM_001148.6 (MANE Select); coding-DNA position 962, G replaced by A.
Protein change: p.Arg321Gln; replaces arginine 321 with glutamine.
Molecular consequence: missense variant.
Genome position (GRCh38, 1-based): chr4:113,249,834, G>A. VCF-style: chr4-113249834-G-A. GRCh37 (hg19) VCF-style: chr4-114170990-G-A.
Other names: p.R321Q:CGG>CAG; c.899G>A, p.Arg300Gln (NM_001127493.3, NM_001354239.2, NM_001354243.2 and 14 more transcripts); c.962G>A, p.Arg321Gln (NM_001354225.2, NM_001354228.2, NM_001354232.2 and 9 more transcripts); c.1007G>A, p.Arg336Gln (NM_001354230.2, NM_001354231.2, NM_001354237.2 and 5 more transcripts); c.875G>A, p.Arg292Gln (NM_001354249.2, NM_001354260.2, NM_001354264.2 and 16 more transcripts); c.920G>A, p.Arg307Gln (NM_001354261.2, NM_001386147.1, NM_001386160.1); c.950G>A, p.Arg317Gln (NM_001354269.3, NM_001386148.2, NM_001386186.2); c.1013G>A, p.Arg338Gln (NM_001386174.1); and 2 more; short protein forms R300Q, R321Q, R292Q, R307Q, R317Q, R336Q, R309Q, R330Q.
Identifiers: ClinVar variation 190540 (VCV000190540.38), dbSNP rs150226540, ClinGen allele CA235655.

ClinVar aggregate classification (germline): Benign/Likely benign. Review status: criteria provided, multiple submitters, no conflicts (2 of 4 stars). 8 submissions from 8 submitters: Benign (4); Likely benign (4). Last evaluated 2026-01-15.

Conditions:
Cardiovascular phenotype. Identifiers: MedGen CN230736.
Long QT syndrome (LQTS). Identifiers: MedGen C0023976, MeSH D008133, MONDO:0002442. Disease mechanism: loss of function. Inheritance: Various modes of inheritance.
Cardiac arrhythmia, ankyrin-B-related. Also called: ANKYRIN-B SYNDROME. Identifiers: Orphanet 101016, Orphanet 768, MedGen C1970119, MONDO:0010958, OMIM 600919.

Allele frequency attached by ClinVar (database versions not stated): gnomAD 0.00010; TOPMed 0.00042; ESP Exome Variant Server 0.00062.
gnomAD v4.1: 610 of 1,613,998 alleles (0.038%); highest among the groups gnomAD compares: Middle Eastern, 0.016%; 2 homozygotes.

Submissions (8):

Labcorp Genetics (formerly Invitae), Labcorp
Classification: Benign for Long QT syndrome. Last evaluated: 2026-01-15. Review status: criteria provided, single submitter. Criteria: Invitae Variant Classification Sherloc (09022015). Collection method: clinical testing. Allele origin: germline.

Blueprint Genetics
Classification: Likely benign. Last evaluated: 2024-10-08. Review status: criteria provided, single submitter. Criteria: ACMG Guidelines, 2015. Collection method: clinical testing. Allele origin: germline.

Women's Health and Genetics/Laboratory Corporation of America, LabCorp
Classification: Benign. Last evaluated: 2021-03-25. Review status: criteria provided, single submitter. Criteria: LabCorp Variant Classification Summary - May 2015. Collection method: clinical testing. Allele origin: germline.
Comment: Variant summary: ANK2 c.962G>A (p.Arg321Gln) results in a conservative amino acid change in the encoded protein sequence. Three of five in-silico tools predict a benign effect of the variant on protein function. The variant allele was found at a frequency of 0.00075 in 250854 control chromosomes in the gnomAD database, including 1 homozygotes. The observed variant frequency is approximately 111.82 fold of the estimated maximal expected allele frequency for a pathogenic variant in ANK2 causing Long QT Syndrome phenotype (6.7e-06), strongly suggesting that the variant is benign. To our knowledge, no occurrence of c.962G>A in individuals affected with Long QT Syndrome and no experimental evidence demonstrating its impact on protein function have been reported. Six clinical diagnostic laboratories have submitted clinical-significance assessments for this variant to ClinVar after 2014 without evidence for independent evaluation (Benign/likely benign n=5, VUS n=1). Based on the evidence outlined above, the variant was classified as benign.

GeneDx
Classification: Benign. Last evaluated: 2020-09-23. Review status: criteria provided, single submitter. Criteria: GeneDx Variant Classification Process June 2021. Collection method: clinical testing. Allele origin: germline. Affected: yes.
Comment: This variant is associated with the following publications: (PMID: 23861362)

Illumina Laboratory Services, Illumina
Classification: Likely benign for Cardiac arrhythmia, ankyrin-B-related. Last evaluated: 2018-01-13. Review status: criteria provided, single submitter. Criteria: ICSL Variant Classification Criteria 13 December 2019. Collection method: clinical testing. Allele origin: germline.
Comment: This variant was observed in the ICSL laboratory as part of a predisposition screen in an ostensibly healthy population. It had not been previously curated by ICSL or reported in the Human Gene Mutation Database (HGMD: prior to June 1st, 2018), and was therefore a candidate for classification through an automated scoring system. Utilizing variant allele frequency, disease prevalence and penetrance estimates, and inheritance mode, an automated score was calculated to assess if this variant is too frequent to cause the disease. Based on the score and internal cut-off values, a variant classified as likely benign is not then subjected to further curation. The score for this variant resulted in a classification of likely benign for this disease.

ARUP Laboratories, Molecular Genetics and Genomics, ARUP Laboratories
Classification: Likely benign. Last evaluated: 2017-12-22. Review status: criteria provided, single submitter. Criteria: ARUP Molecular Germline Variant Investigation Process. Collection method: clinical testing. Allele origin: germline.
Comment: The p.Arg321Gln variant (rs150226540) has been previously observed in three individuals included in a large cohort of cardiomyopathy patients, where it was classified as likely not pathogenic based on population frequency (Ng 2013). This variant is listed in the Genome Aggregation Database (gnomAD) with a frequency of 1.4 percent in the Ashkenazi Jewish population (identified on 142 out of 10,126 chromosomes, including 1 homozygote), and is listed in the ClinVar database (Variation ID: 190540). The arginine at position 321 is moderately conserved considering 12 species (Alamut v2.10) and computational analyses of the effects of the p.Arg321Gln variant on protein structure and function provide conflicting results (SIFT: tolerated, MutationTaster: disease causing, PolyPhen-2: probably damaging). Given the current evidence, this variant is considered to be likely benign.

Ambry Genetics
Classification: Benign for Cardiovascular phenotype. Last evaluated: 2017-10-31. Review status: criteria provided, single submitter. Criteria: Ambry Variant Classification Scheme 2023. Collection method: clinical testing. Allele origin: germline.

Biesecker Lab/Clinical Genomics Section, National Institutes of Health
Classification: Likely benign. Last evaluated: 2013-06-24. Review status: criteria provided, single submitter. Criteria: Ng et al. (Circ Cardiovasc Genet. 2013). Collection method: research. Allele origin: unknown. Observed: 3 variant alleles. Study: ClinSeq.
Comment: The study set was not selected for affection status in relation to any cancer. Pathogenicity categories were based on literature curation. See Pubmed ID:23861362 for details.

Medical sequencing